The following is an entry in ClinVar:

NM_015378.4(VPS13D):c.10741T>G (p.Phe3581Val)

Gene: VPS13D (vacuolar protein sorting 13 homolog D; plus strand). Cytogenetic location: 1p36.22.
Variant type: single nucleotide variant.
Coding change: c.10741T>G on transcript NM_015378.4 (MANE Select); coding-DNA position 10741, T replaced by G.
Protein change: p.Phe3581Val; replaces phenylalanine 3581 with valine.
Molecular consequence: missense variant.
Genome position (GRCh38, 1-based): chr1:12,369,635, T>G. VCF-style: chr1-12369635-T-G. GRCh37 (hg19) VCF-style: chr1-12429690-T-G.
Other names: c.10666T>G, p.Phe3556Val (NM_018156.4); c.10741T>G (NM_015378.2); short protein forms F3556V, F3581V.
Identifiers: ClinVar variation 1939469 (VCV001939469.6), dbSNP rs2524443379, ClinGen allele CA338498710.

ClinVar aggregate classification (germline): Uncertain significance. Review status: criteria provided, multiple submitters, no conflicts (2 of 4 stars). 2 submissions from 2 submitters: Uncertain significance (2). Last evaluated 2024-10-21.

Conditions:
Inborn genetic diseases. Identifiers: MedGen C0950123, MeSH D030342.

Submissions (2):

Ambry Genetics
Classification: Uncertain significance for Inborn genetic diseases. Last evaluated: 2024-10-21. Review status: criteria provided, single submitter. Criteria: Ambry Variant Classification Scheme 2023. Collection method: clinical testing. Allele origin: germline.

Labcorp Genetics (formerly Invitae), Labcorp
Classification: Uncertain significance. Last evaluated: 2022-08-09. Review status: criteria provided, single submitter. Criteria: Invitae Variant Classification Sherloc (09022015). Collection method: clinical testing. Allele origin: germline.
Comment: This sequence change replaces phenylalanine, which is neutral and non-polar, with valine, which is neutral and non-polar, at codon 3581 of the VPS13D protein (p.Phe3581Val). This variant is not present in population databases (gnomAD no frequency). This variant has not been reported in the literature in individuals affected with VPS13D-related conditions. Algorithms developed to predict the effect of missense changes on protein structure and function are either unavailable or do not agree on the potential impact of this missense change (SIFT: "Not Available"; PolyPhen-2: "Probably Damaging"; Align-GVGD: "Not Available"). In summary, the available evidence is currently insufficient to determine the role of this variant in disease. Therefore, it has been classified as a Variant of Uncertain Significance.